The following is an entry in ClinVar:

ClinVar aggregate classification (germline): Uncertain significance (1 of 4 stars; one submission).

Allele frequency attached by ClinVar (database versions not stated): ExAC 0.00005; TOPMed 0.00007; ESP Exome Variant Server 0.00008; gnomAD 0.00008; gnomAD exomes 0.00020.
gnomAD v4.1: 302 of 1,612,394 alleles (0.019%); highest among the groups gnomAD compares: Non-Finnish European, 0.025%; no homozygotes.

Submission:

Ambry Genetics
Classification: Uncertain significance. Last evaluated: 2026-02-03. Review status: criteria provided, single submitter. Criteria: Ambry Variant Classification Scheme 2023. Collection method: clinical testing. Allele origin: germline.
Comment: The c.7328T>G (p.L2443R) alteration is located in exon 47 (coding exon 47) of the CSMD3 gene. This alteration results from a T to G substitution at nucleotide position 7328, causing the leucine (L) at amino acid position 2443 to be replaced by an arginine (R). Based on data from gnomAD, the G allele has an overall frequency of 0.006% (16/281620) total alleles studied. The highest observed frequency was 0.014% (1/7194) of Other alleles. Based on insufficient or conflicting evidence, the clinical significance of this alteration remains unclear.

NM_198123.2(CSMD3):c.7328T>G (p.Leu2443Arg)

Gene: CSMD3 (CUB and Sushi multiple domains 3; minus strand). Cytogenetic location: 8q23.3.
Variant type: single nucleotide variant.
Coding change: c.7328T>G on transcript NM_198123.2 (MANE Select); coding-DNA position 7328, T replaced by G.
Protein change: p.Leu2443Arg; replaces leucine 2443 with arginine.
Molecular consequence: missense variant.
Genome position (GRCh38, 1-based): chr8:112,318,869, A>C on the plus strand (T>G on the coding strand, the complement: CSMD3 is on the minus strand). VCF-style: chr8-112318869-A-C. GRCh37 (hg19) VCF-style: chr8-113331098-A-C.
Other names: c.6728T>G, p.Leu2243Arg (NM_001363185.1); c.7016T>G, p.Leu2339Arg (NM_052900.3); c.7208T>G, p.Leu2403Arg (NM_198124.2); short protein forms L2243R, L2443R, L2339R, L2403R.
Identifiers: ClinVar variation 2464622 (VCV002464622.3), dbSNP rs368721189, ClinGen allele CA4849318.